The following is an entry in ClinVar:

ClinVar aggregate classification (germline): Uncertain significance. Review status: criteria provided, multiple submitters, no conflicts (2 of 4 stars). 2 submissions from 2 submitters: Uncertain significance (2). Last evaluated 2025-09-09.

Conditions:
Inborn genetic diseases. Identifiers: MedGen C0950123, MeSH D030342.

Allele frequency attached by ClinVar (database versions not stated): gnomAD 0.00003; TOPMed 0.00003; gnomAD exomes 0.00004; ExAC 0.00005; ESP Exome Variant Server 0.00008.
gnomAD v4.1: 65 of 1,614,156 alleles (0.004%); highest among the groups gnomAD compares: Middle Eastern, 0.017%; no homozygotes.

Submissions (2):

Labcorp Genetics (formerly Invitae), Labcorp
Classification: Uncertain significance. Last evaluated: 2025-09-09. Review status: criteria provided, single submitter. Criteria: Invitae Variant Classification Sherloc (09022015). Collection method: clinical testing. Allele origin: germline.
Comment: This sequence change replaces asparagine, which is neutral and polar, with serine, which is neutral and polar, at codon 2269 of the CENPF protein (p.Asn2269Ser). This variant is present in population databases (rs372963039, gnomAD 0.01%). This variant has not been reported in the literature in individuals affected with CENPF-related conditions. ClinVar contains an entry for this variant (Variation ID: 2052929). An algorithm developed to predict the effect of missense changes on protein structure and function outputs the following: PolyPhen-2: "Benign". The serine amino acid residue is found in multiple mammalian species, which suggests that this missense change does not adversely affect protein function. In summary, the available evidence is currently insufficient to determine the role of this variant in disease. Therefore, it has been classified as a Variant of Uncertain Significance.

Ambry Genetics
Classification: Uncertain significance for Inborn genetic diseases. Last evaluated: 2025-09-01. Review status: criteria provided, single submitter. Criteria: Ambry Variant Classification Scheme 2023. Collection method: clinical testing. Allele origin: germline.

NM_016343.4(CENPF):c.6806A>G (p.Asn2269Ser)

Gene: CENPF (centromere protein F; plus strand). Cytogenetic location: 1q41.
Variant type: single nucleotide variant.
Coding change: c.6806A>G on transcript NM_016343.4 (MANE Select); coding-DNA position 6806, A replaced by G.
Protein change: p.Asn2269Ser; replaces asparagine 2269 with serine.
Molecular consequence: missense variant.
Genome position (GRCh38, 1-based): chr1:214,646,376, A>G. VCF-style: chr1-214646376-A-G. GRCh37 (hg19) VCF-style: chr1-214819719-A-G.
Other names: short protein forms N2269S.
Identifiers: ClinVar variation 2052929 (VCV002052929.5), dbSNP rs372963039, ClinGen allele CA1391016.
Genomic context (GRCh38, chr1:214,646,376, plus strand): 5'-AGATCAAAGAAGAATCTAAAACTGCAGTGGAGATGCTTCAGAATCAGTTAAAGGAGCTAA[A>G]TGAGGCAGTAGCAGCCTTGTGTGGTGACCAAGAAATTATGAAGGCCACAGAACAGAGTCT-3'
Protein context (NP_057427.3, residues 2259-2279): EMLQNQLKEL[Asn2269Ser]EAVAALCGDQ